The following is an entry in ClinVar:

NM_015346.4(ZFYVE26):c.5970_5971insTCTAT (p.Val1991fs)

Gene: ZFYVE26 (zinc finger FYVE-type containing 26; minus strand). Cytogenetic location: 14q24.1.
Variant type: Insertion.
Coding change: c.5970_5971insTCTAT on transcript NM_015346.4 (MANE Select); coding-DNA positions 5970 to 5971, TCTAT inserted.
Protein change: p.Val1991fs; shifts the reading frame from valine 1991.
Molecular consequence: frameshift variant.
Genome position: GRCh38 VCF-style: chr14-67766267-C-CATAGA. GRCh37 (hg19) VCF-style: chr14-68232984-C-CATAGA.
Other names: short protein forms V1991fs.
Identifiers: ClinVar variation 5011468 (VCV005011468.1).

ClinVar aggregate classification (germline): Pathogenic (1 of 4 stars; one submission).

Conditions:
Hereditary spastic paraplegia 15 (SPG15). Also called: SPASTIC PARAPLEGIA 15, AUTOSOMAL RECESSIVE; KJELLIN SYNDROME; SPASTIC PARAPLEGIA AND RETINAL DEGENERATION. Identifiers: Orphanet 100996, MedGen C1849128, MONDO:0010044, OMIM 270700.

Submission:

Myriad Genetics, Inc.
Classification: Pathogenic for Hereditary spastic paraplegia 15. Last evaluated: 2023-08-23. Review status: criteria provided, single submitter. Criteria: Myriad Autosomal Dominant, Autosomal Recessive and X-Linked Classification Criteria (2023). Collection method: clinical testing. Allele origin: unknown.
Comment: NM_015346.3(ZFYVE26):c.5970_5971ins5(V1991Sfs*21) is expected to be pathogenic in the context of spastic paraplegia type 15. This variant is predicted to lead to an abnormal or absent protein product due to the creation of a premature termination codon in ZFYVE26, a gene where loss-of-function variants are known to be pathogenic. Please note: this variant was assessed in the context of healthy population screening.